The following is an entry in ClinVar:

ClinVar aggregate classification (germline): Uncertain significance (1 of 4 stars; one submission).

Allele frequency attached by ClinVar (database versions not stated): ExAC 0.00001.

Submission:

Labcorp Genetics (formerly Invitae), Labcorp
Classification: Uncertain significance. Last evaluated: 2022-02-04. Review status: criteria provided, single submitter. Criteria: Invitae Variant Classification Sherloc (09022015). Collection method: clinical testing. Allele origin: germline.
Comment: This sequence change falls in intron 5 of the PDSS2 gene. It does not directly change the encoded amino acid sequence of the PDSS2 protein. It affects a nucleotide within the consensus splice site. This variant is present in population databases (rs763128702, gnomAD 0.0009%). This variant has not been reported in the literature in individuals affected with PDSS2-related conditions. Variants that disrupt the consensus splice site are a relatively common cause of aberrant splicing (PMID: 17576681, 9536098). Algorithms developed to predict the effect of sequence changes on RNA splicing suggest that this variant may disrupt the consensus splice site. In summary, the available evidence is currently insufficient to determine the role of this variant in disease. Therefore, it has been classified as a Variant of Uncertain Significance.

Literature cited by the submitters: PubMed 17576681; PubMed 9536098.

NM_020381.4(PDSS2):c.876+4C>G

Gene: PDSS2 (decaprenyl diphosphate synthase subunit 2; minus strand). Cytogenetic location: 6q21.
Variant type: single nucleotide variant.
Coding change: c.876+4C>G on transcript NM_020381.4 (MANE Select); 4 bases into the intron after coding-DNA position 876, C replaced by G.
Molecular consequence: intron variant.
Genome position (GRCh38, 1-based): chr6:107,212,105, G>C on the plus strand (C>G on the coding strand, the complement: PDSS2 is on the minus strand). VCF-style: chr6-107212105-G-C. GRCh37 (hg19) VCF-style: chr6-107533309-G-C.
Identifiers: ClinVar variation 2092666 (VCV002092666.1), dbSNP rs763128702, ClinGen allele CA3945998.
Genomic context (GRCh38, chr6:107,212,105, plus strand): 5'-AGGTTTCTTGTGTGTCGTTTTAGCTATTTAAGTACTGAAAAAAGATAAAGGGTGTGCAAA[G>C]TACCTTATGACTCATGGCCATGTGCTTCCCATACTGAAATGCCATATTCTGAACCTCAGC-3'